The following is an entry in ClinVar:

NM_015599.3(PGM3):c.1539+30G>A

Genes: DOP1A (DOP1 leucine zipper like protein A; plus strand), PGM3 (phosphoglucomutase 3; minus strand). Cytogenetic location: 6q14.1.
Variant type: single nucleotide variant.
Coding change: c.1539+30G>A on transcript NM_015599.3 (MANE Select); 30 bases into the intron after coding-DNA position 1539, G replaced by A.
Molecular consequence: intron variant.
Genome position (GRCh38, 1-based): chr6:83,170,275, C>T on the plus strand (G>A on the coding strand, the complement: PGM3 is on the minus strand). VCF-style: chr6-83170275-C-T. GRCh37 (hg19) VCF-style: chr6-83879994-C-T.
Other names: c.1623+30G>A (NM_001199917.2, NM_001367287.1); c.1300+26G>A (NM_001199918.2); c.1416+30G>A (NM_001367286.1); c.1539+30G>A (NM_001199919.2).
Identifiers: ClinVar variation 3390164 (VCV003390164.14).
Genomic context (GRCh38, chr6:83,170,275, plus strand): 5'-ATCATAGTGAGATTCTAAAAACCATTAAAATAGTTTGCCTGCCCATCACCTAATATTAGG[C>T]TCTTTTTCAATAGAACTATCCCAGCTTACTTGTGAGTCTGCTTCTGCATATACTCGGACG-3'

ClinVar aggregate classification (germline): Likely benign (1 of 4 stars; one submission).

gnomAD v4.1: 1 of 1,605,406 alleles (0.000062%); highest among the groups gnomAD compares: Non-Finnish European, 0.000085%; no homozygotes.

Submission:

CeGaT Center for Human Genetics Tuebingen
Classification: Likely benign. Last evaluated: 2024-11-01. Review status: criteria provided, single submitter. Criteria: CeGaT Center For Human Genetics Tuebingen Variant Classification Criteria Version 2. Collection method: clinical testing. Allele origin: germline. Affected: yes. Observed: 1 variant allele.
Comment: PGM3: BP4, BP7